The following is an entry in ClinVar:

NM_001042603.3(KDM5A):c.2788del (p.Gly929_Val930insTer)

Gene: KDM5A (lysine demethylase 5A; minus strand). Cytogenetic location: 12p13.33.
Variant type: Deletion.
Coding change: c.2788del on transcript NM_001042603.3 (MANE Select); coding-DNA position 2788, one base deleted (G; older notation c.2788delG).
Protein change: p.Gly929_Val930insTer.
Molecular consequence: nonsense.
Genome position (GRCh38, 1-based): chr12:318,215, C deleted on the plus strand (G on the coding strand, the reverse complement: KDM5A is on the minus strand); the first of 4 consecutive C bases (chr12:318,215-318,218); deleting any one gives the same sequence. VCF-style (leftmost placement, unchanged base first): chr12-318214-AC-A. GRCh37 (hg19) VCF-style: chr12-427380-AC-A.
Identifiers: ClinVar variation 2579993 (VCV002579993.1), dbSNP rs2498239344, ClinGen allele CA2580617850.

ClinVar aggregate classification (germline): Uncertain significance (1 of 4 stars; one submission).

Submission:

GeneDx
Classification: Uncertain significance. Last evaluated: 2023-03-17. Review status: criteria provided, single submitter. Criteria: GeneDx Variant Classification Process June 2021. Collection method: clinical testing. Allele origin: germline. Affected: yes.
Comment: Not observed at significant frequency in large population cohorts (gnomAD); Nonsense variant predicted to result in protein truncation or nonsense mediated decay in a gene or region of a gene for which loss of function is not a well-established mechanism of disease; Has not been previously published as pathogenic or benign to our knowledge